The following is an entry in ClinVar:

ClinVar aggregate classification (germline): Uncertain significance. Review status: criteria provided, multiple submitters, no conflicts (2 of 4 stars). 2 submissions from 2 submitters: Uncertain significance (2). Last evaluated 2023-12-06.

Conditions:
MYCBP2-associated disorder.

Allele frequency attached by ClinVar (database versions not stated): gnomAD exomes 0.00001; gnomAD 0.00003; TOPMed 0.00004.

Submissions (2):

Institute of Human Genetics, University of Leipzig Medical Center
Classification: Uncertain significance for MYCBP2-associated disorder. Last evaluated: 2023-12-06. Review status: criteria provided, single submitter. Criteria: ACMG Guidelines, 2015. Collection method: clinical testing. Allele origin: unknown. Inheritance: Autosomal dominant inheritance. Affected: yes.
Comment: Criteria applied: PVS1_SUP,PM2_SUP

Revvity Omics, Revvity
Classification: Uncertain significance. Last evaluated: 2021-10-19. Review status: criteria provided, single submitter. Criteria: ACMG Guidelines, 2015. Collection method: clinical testing. Allele origin: germline.

Literature cited by the submitters: PubMed 36200388 (cited by Institute of Human Genetics, University of Leipzig Medical Center).

NM_015057.5(MYCBP2):c.3G>C (p.Met1Ile)

Genes: MYCBP2 (MYC binding protein 2; minus strand), LOC130009921 (ATAC-STARR-seq lymphoblastoid silent region 5419; plus strand). Cytogenetic location: 13q22.3.
Variant type: single nucleotide variant.
Coding change: c.3G>C on transcript NM_015057.5 (MANE Select); coding-DNA position 3, G replaced by C.
Protein change: p.Met1Ile; changes the start codon (methionine 1).
Molecular consequence: missense variant, initiator codon variant.
Genome position (GRCh38, 1-based): chr13:77,326,773, C>G on the plus strand (G>C on the coding strand, the complement: MYCBP2 is on the minus strand). VCF-style: chr13-77326773-C-G. GRCh37 (hg19) VCF-style: chr13-77900908-C-G.
Other names: short protein forms M1I.
Identifiers: ClinVar variation 2689480 (VCV002689480.3), dbSNP rs949085474, ClinGen allele CA252998517.